The following is an entry in ClinVar:

ClinVar aggregate classification (germline): Likely benign (1 of 4 stars; one submission).

Allele frequency attached by ClinVar (database versions not stated): gnomAD exomes 0.00004; 1000 Genomes Project 0.00040.

Submission:

CeGaT Center for Human Genetics Tuebingen
Classification: Likely benign. Last evaluated: 2023-10-01. Review status: criteria provided, single submitter. Criteria: CeGaT Center For Human Genetics Tuebingen Variant Classification Criteria Version 2. Collection method: clinical testing. Allele origin: germline. Affected: yes. Observed: 1 variant allele.
Comment: KLF18: BP4, BP7

NM_001358438.1(KLF18):c.2046C>T (p.Tyr682=)

Gene: KLF18 (KLF transcription factor 18; minus strand). Cytogenetic location: 1p34.1.
Variant type: single nucleotide variant.
Coding change: c.2046C>T on transcript NM_001358438.1 (MANE Select); coding-DNA position 2046, C replaced by T.
Protein change: p.Tyr682=; no amino-acid change (tyrosine 682 retained).
Molecular consequence: synonymous variant.
Genome position (GRCh38, 1-based): chr1:44,139,586, G>A on the plus strand (C>T on the coding strand, the complement: KLF18 is on the minus strand). VCF-style: chr1-44139586-G-A. GRCh37 (hg19) VCF-style: chr1-44605258-G-A.
Identifiers: ClinVar variation 2638768 (VCV002638768.24), dbSNP rs561252127, ClinGen allele CA21689873.